The following is an entry in ClinVar:

NM_206933.4(USH2A):c.14006A>T (p.Tyr4669Phe)

Gene: USH2A (usherin; minus strand). Cytogenetic location: 1q41.
Variant type: single nucleotide variant.
Coding change: c.14006A>T on transcript NM_206933.4 (MANE Select); coding-DNA position 14006, A replaced by T.
Protein change: p.Tyr4669Phe; replaces tyrosine 4669 with phenylalanine.
Molecular consequence: missense variant.
Genome position (GRCh38, 1-based): chr1:215,671,099, T>A on the plus strand (A>T on the coding strand, the complement: USH2A is on the minus strand). VCF-style: chr1-215671099-T-A. GRCh37 (hg19) VCF-style: chr1-215844441-T-A.
Other names: c.14006A>T (NM_206933.2); short protein forms Y4669F.
Identifiers: ClinVar variation 4800026 (VCV004800026.2).

ClinVar aggregate classification (germline): Uncertain significance. Review status: criteria provided, multiple submitters, no conflicts (2 of 4 stars). 2 submissions from 2 submitters: Uncertain significance (2). Last evaluated 2026-02-12.

Submissions (2):

GeneDx
Classification: Uncertain significance. Last evaluated: 2026-02-12. Review status: criteria provided, single submitter. Criteria: GeneDx Variant Classification Process June 2021. Collection method: clinical testing. Allele origin: germline.
Comment: Not observed at significant frequency in large population cohorts (gnomAD); In silico analysis suggests that this missense variant does not alter protein structure/function; Has not been previously published as pathogenic or benign to our knowledge

Labcorp Genetics (formerly Invitae), Labcorp
Classification: Uncertain significance. Last evaluated: 2025-03-12. Review status: criteria provided, single submitter. Criteria: Invitae Variant Classification Sherloc (09022015). Collection method: clinical testing. Allele origin: germline.
Comment: This sequence change replaces tyrosine, which is neutral and polar, with phenylalanine, which is neutral and non-polar, at codon 4669 of the USH2A protein (p.Tyr4669Phe). This variant is not present in population databases (gnomAD no frequency). This variant has not been reported in the literature in individuals affected with USH2A-related conditions. Invitae Evidence Modeling of protein sequence and biophysical properties (such as structural, functional, and spatial information, amino acid conservation, physicochemical variation, residue mobility, and thermodynamic stability) indicates that this missense variant is not expected to disrupt USH2A protein function with a negative predictive value of 95%. In summary, the available evidence is currently insufficient to determine the role of this variant in disease. Therefore, it has been classified as a Variant of Uncertain Significance.